The following is an entry in ClinVar:

NM_004481.5(GALNT2):c.868A>G (p.Arg290Gly)

Gene: GALNT2 (polypeptide N-acetylgalactosaminyltransferase 2; plus strand). Cytogenetic location: 1q42.13.
Variant type: single nucleotide variant.
Coding change: c.868A>G on transcript NM_004481.5 (MANE Select); coding-DNA position 868, A replaced by G.
Protein change: p.Arg290Gly; replaces arginine 290 with glycine.
Molecular consequence: missense variant.
Genome position (GRCh38, 1-based): chr1:230,249,234, A>G. VCF-style: chr1-230249234-A-G. GRCh37 (hg19) VCF-style: chr1-230384980-A-G.
Other names: c.754A>G, p.Arg252Gly (NM_001291866.2); short protein forms R252G, R290G.
Identifiers: ClinVar variation 1466469 (VCV001466469.6), dbSNP rs776404910, ClinGen allele CA345184953.

ClinVar aggregate classification (germline): Uncertain significance (1 of 4 stars; one submission).

gnomAD v4.1: 4 of 1,614,186 alleles (0.00025%); highest among the groups gnomAD compares: Non-Finnish European, 0.00017%; no homozygotes.

Submission:

Labcorp Genetics (formerly Invitae), Labcorp
Classification: Uncertain significance. Last evaluated: 2021-09-21. Review status: criteria provided, single submitter. Criteria: Invitae Variant Classification Sherloc (09022015). Collection method: clinical testing. Allele origin: germline.
Comment: Algorithms developed to predict the effect of missense changes on protein structure and function are either unavailable or do not agree on the potential impact of this missense change (SIFT: "Deleterious"; PolyPhen-2: "Benign"; Align-GVGD: "Class C65"). In summary, the available evidence is currently insufficient to determine the role of this variant in disease. Therefore, it has been classified as a Variant of Uncertain Significance. This variant has not been reported in the literature in individuals affected with GALNT2-related conditions. This variant is not present in population databases (ExAC no frequency). This sequence change replaces arginine with glycine at codon 290 of the GALNT2 protein (p.Arg290Gly). The arginine residue is highly conserved and there is a moderate physicochemical difference between arginine and glycine.